The following is an entry in ClinVar:

NM_024741.3(ZNF408):c.1670G>T (p.Gly557Val)

Gene: ZNF408 (zinc finger protein 408; plus strand). Cytogenetic location: 11p11.2.
Variant type: single nucleotide variant.
Coding change: c.1670G>T on transcript NM_024741.3 (MANE Select); coding-DNA position 1670, G replaced by T.
Protein change: p.Gly557Val; replaces glycine 557 with valine.
Molecular consequence: missense variant.
Genome position (GRCh38, 1-based): chr11:46,705,370, G>T. VCF-style: chr11-46705370-G-T. GRCh37 (hg19) VCF-style: chr11-46726920-G-T.
Other names: c.1670G>T (NM_024741.2); c.1646G>T, p.Gly549Val (NM_001184751.2); short protein forms G549V, G557V.
Identifiers: ClinVar variation 1010780 (VCV001010780.8), dbSNP rs201672624, ClinGen allele CA5966622.

ClinVar aggregate classification (germline): Uncertain significance. Review status: criteria provided, multiple submitters, no conflicts (2 of 4 stars). 2 submissions from 2 submitters: Uncertain significance (2). Last evaluated 2026-01-08.

Conditions:
Inborn genetic diseases. Identifiers: MedGen C0950123, MeSH D030342.

Allele frequency attached by ClinVar (database versions not stated): gnomAD exomes below 0.00001; ExAC 0.00001; 1000 Genomes Project 0.00020; 1000 Genomes Project 30x 0.00031.
gnomAD v4.1: 7 of 1,599,506 alleles (0.00044%); highest among the groups gnomAD compares: Admixed American, 0.012%; no homozygotes.

Submissions (2):

Labcorp Genetics (formerly Invitae), Labcorp
Classification: Uncertain significance. Last evaluated: 2026-01-08. Review status: criteria provided, single submitter. Criteria: Invitae Variant Classification Sherloc (09022015). Collection method: clinical testing. Allele origin: germline.
Comment: This sequence change replaces glycine, which is neutral and non-polar, with valine, which is neutral and non-polar, at codon 557 of the ZNF408 protein (p.Gly557Val). This variant is not present in population databases (gnomAD no frequency). This missense change has been observed in individuals with clinical features of retinitis pigmentosa (internal data). ClinVar contains an entry for this variant (Variation ID: 1010780). An algorithm developed to predict the effect of missense changes on protein structure and function (PolyPhen-2) suggests that this variant is likely to be disruptive. In summary, the available evidence is currently insufficient to determine the role of this variant in disease. Therefore, it has been classified as a Variant of Uncertain Significance.

Ambry Genetics
Classification: Uncertain significance for Inborn genetic diseases. Last evaluated: 2023-11-17. Review status: criteria provided, single submitter. Criteria: Ambry Variant Classification Scheme 2023. Collection method: clinical testing. Allele origin: germline.